The following is an entry in ClinVar:

NM_001369.3(DNAH5):c.1766A>C (p.Tyr589Ser)

Gene: DNAH5 (dynein axonemal heavy chain 5; minus strand). Cytogenetic location: 5p15.2.
Variant type: single nucleotide variant.
Coding change: c.1766A>C on transcript NM_001369.3 (MANE Select); coding-DNA position 1766, A replaced by C.
Protein change: p.Tyr589Ser; replaces tyrosine 589 with serine.
Molecular consequence: missense variant.
Genome position (GRCh38, 1-based): chr5:13,901,538, T>G on the plus strand (A>C on the coding strand, the complement: DNAH5 is on the minus strand). VCF-style: chr5-13901538-T-G. GRCh37 (hg19) VCF-style: chr5-13901647-T-G.
Other names: short protein forms Y589S.
Identifiers: ClinVar variation 1779680 (VCV001779680.2), dbSNP rs1216300808, ClinGen allele CA359207177.

ClinVar aggregate classification (germline): Uncertain significance (1 of 4 stars; one submission).

Conditions:
Primary ciliary dyskinesia. Also called: Ciliary dyskinesia. Identifiers: Orphanet 244, MedGen C0008780, MONDO:0016575, HP:0012265.

gnomAD v4.1: 3 of 1,613,556 alleles (0.00019%); highest among the groups gnomAD compares: Non-Finnish European, 0.00025%; no homozygotes.

Submission:

Ambry Genetics
Classification: Uncertain significance for Primary ciliary dyskinesia. Last evaluated: 2022-07-10. Review status: criteria provided, single submitter. Criteria: Ambry Variant Classification Scheme 2023. Collection method: clinical testing. Allele origin: germline.
Comment: The p.Y589S variant (also known as c.1766A>C), located in coding exon 14 of the DNAH5 gene, results from an A to C substitution at nucleotide position 1766. The tyrosine at codon 589 is replaced by serine, an amino acid with dissimilar properties. This amino acid position is conserved. In addition, the in silico prediction for this alteration is inconclusive. Since supporting evidence is limited at this time, the clinical significance of this alteration remains unclear.